The following is an entry in ClinVar:

ClinVar aggregate classification (germline): Uncertain significance. Review status: criteria provided, multiple submitters, no conflicts (2 of 4 stars). 3 submissions from 3 submitters: Uncertain significance (2). 1 of the submissions does not count toward it. Last evaluated 2024-08-06.

Conditions:
Usher syndrome type 3B. Also called: USHER SYNDROME, TYPE IIIB. Identifiers: MedGen C3281066, MONDO:0013788, OMIM 614504.
HARS1-related disorder. Also called: HARS1-related condition.

Allele frequency attached by ClinVar (database versions not stated): ExAC 0.00001; gnomAD exomes 0.00001; gnomAD 0.00002; TOPMed 0.00002.
gnomAD v4.1: 16 of 1,592,660 alleles (0.001%); highest among the groups gnomAD compares: Admixed American, 0.005%; no homozygotes.

Submissions (3):

Labcorp Genetics (formerly Invitae), Labcorp
Classification: Uncertain significance for Usher syndrome type 3B. Last evaluated: 2024-08-06. Review status: criteria provided, single submitter. Criteria: Invitae Variant Classification Sherloc (09022015). Collection method: clinical testing. Allele origin: germline.
Comment: This sequence change replaces arginine, which is basic and polar, with histidine, which is basic and polar, at codon 128 of the HARS protein (p.Arg128His). This variant is present in population databases (rs748062451, gnomAD 0.009%). This variant has not been reported in the literature in individuals affected with HARS-related conditions. ClinVar contains an entry for this variant (Variation ID: 953904). Advanced modeling of protein sequence and biophysical properties (such as structural, functional, and spatial information, amino acid conservation, physicochemical variation, residue mobility, and thermodynamic stability) performed at Invitae indicates that this missense variant is expected to disrupt HARS protein function with a positive predictive value of 80%. In summary, the available evidence is currently insufficient to determine the role of this variant in disease. Therefore, it has been classified as a Variant of Uncertain Significance.

GeneDx
Classification: Uncertain significance. Last evaluated: 2024-05-23. Review status: criteria provided, single submitter. Criteria: GeneDx Variant Classification Process June 2021. Collection method: clinical testing. Allele origin: germline. Affected: yes.
Comment: In silico analysis supports that this missense variant has a deleterious effect on protein structure/function; Has not been previously published as pathogenic or benign to our knowledge

PreventionGenetics, part of Exact Sciences
Classification: Uncertain significance for HARS1-related condition. Last evaluated: 2023-10-31. Review status: no assertion criteria provided. Collection method: clinical testing. Allele origin: germline. Not counted in ClinVar's aggregate classification.
Comment: The HARS1 c.383G>A variant is predicted to result in the amino acid substitution p.Arg128His. To our knowledge, this variant has not been reported in the literature. This variant is reported in 0.0088% of alleles in individuals of Latino descent in gnomAD. At this time, the clinical significance of this variant is uncertain due to the absence of conclusive functional and genetic evidence.

NM_002109.6(HARS1):c.383G>A (p.Arg128His)

Gene: HARS1 (histidyl-tRNA synthetase 1; minus strand). Cytogenetic location: 5q31.3.
Variant type: single nucleotide variant.
Coding change: c.383G>A on transcript NM_002109.6 (MANE Select); coding-DNA position 383, G replaced by A.
Protein change: p.Arg128His; replaces arginine 128 with histidine.
Molecular consequence: missense variant. On other transcripts: intron variant (2).
Genome position (GRCh38, 1-based): chr5:140,679,801, C>T on the plus strand (G>A on the coding strand, the complement: HARS1 is on the minus strand). VCF-style: chr5-140679801-C-T. GRCh37 (hg19) VCF-style: chr5-140059386-C-T.
Other names: c.263G>A, p.Arg88His (NM_001258040.3, NM_001258042.3); c.383G>A, p.Arg128His (NM_001258041.3); c.296G>A, p.Arg99His (NM_001289094.2); c.181-1786G>A (NM_001289093.2); c.301-1786G>A (NM_001289092.2); short protein forms R88H, R128H, R99H.
Identifiers: ClinVar variation 953904 (VCV000953904.12), dbSNP rs748062451, ClinGen allele CA3444128.
Genomic context (GRCh38, chr5:140,679,801, plus strand): 5'-AGTGCCAATCCATCCAAAGTCTCAAGAGCCCAAGTTTAGAAAGATACAGTGAGGTCATAG[C>T]GAAGGGACAGGAGCTCCCCGCCCTGGTCCTTCAGGTCATAGATAAGCTTGGAGTCTTCCC-3'
Protein context (NP_002100.2, residues 118-138): KDQGGELLSL[Arg128His]YDLTVPFARY